The following is an entry in ClinVar:

ClinVar aggregate classification (germline): Uncertain significance (1 of 4 stars; one submission).

gnomAD v4.1: 48 of 1,614,022 alleles (0.003%); highest among the groups gnomAD compares: Admixed American, 0.0033%; no homozygotes.

Submission:

GeneDx
Classification: Uncertain significance. Last evaluated: 2025-07-17. Review status: criteria provided, single submitter. Criteria: GeneDx Variant Classification Process June 2021. Collection method: clinical testing. Allele origin: germline. Affected: yes.
Comment: In silico analysis supports that this missense variant has a deleterious effect on protein structure/function; This variant is associated with the following publications: (PMID: 36049610)

NM_017646.6(TRIT1):c.751G>A (p.Gly251Arg)

Gene: TRIT1 (tRNA isopentenyltransferase 1; minus strand). Cytogenetic location: 1p34.2.
Variant type: single nucleotide variant.
Coding change: c.751G>A on transcript NM_017646.6 (MANE Select); coding-DNA position 751, G replaced by A.
Protein change: p.Gly251Arg; replaces glycine 251 with arginine.
Molecular consequence: missense variant.
Genome position (GRCh38, 1-based): chr1:39,848,050, C>T on the plus strand (G>A on the coding strand, the complement: TRIT1 is on the minus strand). VCF-style: chr1-39848050-C-T. GRCh37 (hg19) VCF-style: chr1-40313722-C-T.
Other names: c.751G>A, p.Gly251Arg (NM_001312691.2); c.505G>A, p.Gly169Arg (NM_001312692.2); short protein forms G169R, G251R.
Identifiers: ClinVar variation 4686149 (VCV004686149.1).
Genomic context (GRCh38, chr1:39,848,050, plus strand): 5'-TTTCCGAAACATTCTTCTGATTATAGCGTCTGTGAAAATCTCTTAGTTCCTCCAAGAGCC[C>T]AGCAGCAAGCATGTCATCCACCCTCTTATCCAAGCGCTCATCTAGAACTTGAATCAAATT-3'
Protein context (NP_060116.2, residues 241-261): DKRVDDMLAA[Gly251Arg]LLEELRDFHR